The following is an entry in ClinVar:

ClinVar aggregate classification (germline): Uncertain significance (1 of 4 stars; one submission).

Submission:

Ambry Genetics
Classification: Uncertain significance. Last evaluated: 2022-03-30. Review status: criteria provided, single submitter. Criteria: Ambry Variant Classification Scheme 2023. Collection method: clinical testing. Allele origin: germline.
Comment: The p.M850K variant (also known as c.2549T>A), located in coding exon 21 of the BUB1 gene, results from a T to A substitution at nucleotide position 2549. The methionine at codon 850 is replaced by lysine, an amino acid with similar properties. This amino acid position is conserved. In addition, the in silico prediction for this alteration is inconclusive. Since supporting evidence is limited at this time, the clinical significance of this alteration remains unclear.

NM_004336.5(BUB1):c.2549T>A (p.Met850Lys)

Gene: BUB1 (BUB1 mitotic checkpoint serine/threonine kinase; minus strand). Cytogenetic location: 2q13.
Variant type: single nucleotide variant.
Coding change: c.2549T>A on transcript NM_004336.5 (MANE Select); coding-DNA position 2549, T replaced by A.
Protein change: p.Met850Lys; replaces methionine 850 with lysine.
Molecular consequence: missense variant.
Genome position (GRCh38, 1-based): chr2:110,641,718, A>T on the plus strand (T>A on the coding strand, the complement: BUB1 is on the minus strand). VCF-style: chr2-110641718-A-T. GRCh37 (hg19) VCF-style: chr2-111399295-A-T.
Other names: c.2489T>A, p.Met830Lys (NM_001278616.2); c.2549T>A, p.Met850Lys (NM_001278617.2); short protein forms M850K, M830K.
Identifiers: ClinVar variation 1792917 (VCV001792917.2), dbSNP rs2467972134, ClinGen allele CA348090372.
Genomic context (GRCh38, chr2:110,641,718, plus strand): 5'-CTGTAGAGCTCTCCTACTAATACACTGCCATTCTGGAATAAGTGGGCAGAATAGAACTTC[A>T]TAAACATGTGCTGCATAGATGGCTTTAGTCTTTCCATCAACTGGGTCCCAATGTAGAATT-3'
Protein context (NP_004327.1, residues 840-860): RLKPSMQHMF[Met850Lys]KFYSAHLFQN